The following is an entry in ClinVar:

NM_018149.7(SMG8):c.2772G>A (p.Met924Ile)

Gene: SMG8 (SMG8 nonsense mediated mRNA decay factor; plus strand). Cytogenetic location: 17q22.
Variant type: single nucleotide variant.
Coding change: c.2772G>A on transcript NM_018149.7 (MANE Select); coding-DNA position 2772, G replaced by A.
Protein change: p.Met924Ile; replaces methionine 924 with isoleucine.
Molecular consequence: missense variant.
Genome position (GRCh38, 1-based): chr17:59,213,595, G>A. VCF-style: chr17-59213595-G-A. GRCh37 (hg19) VCF-style: chr17-57290956-G-A.
Other names: short protein forms M924I.
Identifiers: ClinVar variation 4832669 (VCV004832669.1).

ClinVar aggregate classification (germline): Uncertain significance (1 of 4 stars; one submission).

Conditions:
Inborn genetic diseases. Identifiers: MedGen C0950123, MeSH D030342.

Submission:

Ambry Genetics
Classification: Uncertain significance for Inborn genetic diseases. Last evaluated: 2026-03-11. Review status: criteria provided, single submitter. Criteria: Ambry Variant Classification Scheme 2023. Collection method: clinical testing. Allele origin: germline.
Comment: The c.2772G>A (p.M924I) alteration is located in exon 3 (coding exon 3) of the SMG8 gene. This alteration results from a G to A substitution at nucleotide position 2772, causing the methionine (M) at amino acid position 924 to be replaced by an isoleucine (I). Based on data from gnomAD, the A allele has an overall frequency of 0.003% (8/263234) total alleles studied. The highest observed frequency was 0.034% (8/23914) of African alleles. Based on insufficient or conflicting evidence, the clinical significance of this alteration remains unclear.